The following is an entry in ClinVar:

ClinVar aggregate classification (germline): Uncertain significance (1 of 4 stars; one submission).

Conditions:
Hereditary cancer-predisposing syndrome. Also called: Hereditary neoplastic syndrome; Tumor predisposition; Hereditary Cancer Syndrome; Neoplastic Syndromes, Hereditary. Identifiers: Orphanet 140162, MedGen C0027672, MeSH D009386, MONDO:0015356.

Submission:

Ambry Genetics
Classification: Uncertain significance for Hereditary cancer-predisposing syndrome. Last evaluated: 2023-08-03. Review status: criteria provided, single submitter. Criteria: Ambry Variant Classification Scheme 2023. Collection method: clinical testing. Allele origin: germline.
Comment: The p.A694T variant (also known as c.2080G>A), located in coding exon 14 of the MSH3 gene, results from a G to A substitution at nucleotide position 2080. The alanine at codon 694 is replaced by threonine, an amino acid with similar properties. This amino acid position is highly conserved in available vertebrate species. In addition, the in silico prediction for this alteration is inconclusive. Since supporting evidence is limited at this time, the clinical significance of this alteration remains unclear.

NM_002439.5(MSH3):c.2080G>A (p.Ala694Thr)

Gene: MSH3 (mutS homolog 3; plus strand). Cytogenetic location: 5q14.1.
Variant type: single nucleotide variant.
Coding change: c.2080G>A on transcript NM_002439.5 (MANE Select); coding-DNA position 2080, G replaced by A.
Protein change: p.Ala694Thr; replaces alanine 694 with threonine.
Molecular consequence: missense variant.
Genome position (GRCh38, 1-based): chr5:80,768,116, G>A. VCF-style: chr5-80768116-G-A. GRCh37 (hg19) VCF-style: chr5-80063935-G-A.
Other names: short protein forms A694T.
Identifiers: ClinVar variation 2586050 (VCV002586050.2), dbSNP rs2112884572, ClinGen allele CA360277994.